The following is an entry in ClinVar:

ClinVar aggregate classification (germline): Uncertain significance (1 of 4 stars; one submission).

Conditions:
Charcot-Marie-Tooth Neuropathy X. Identifiers: MedGen CN118851.

Submission:

Labcorp Genetics (formerly Invitae), Labcorp
Classification: Uncertain significance for Charcot-Marie-Tooth Neuropathy X. Last evaluated: 2022-05-05. Review status: criteria provided, single submitter. Criteria: Invitae Variant Classification Sherloc (09022015). Collection method: clinical testing. Allele origin: germline.
Comment: In summary, the available evidence is currently insufficient to determine the role of this variant in disease. Therefore, it has been classified as a Variant of Uncertain Significance. This variant disrupts the p.Asp46 amino acid residue in GJB1. Other variant(s) that disrupt this residue have been observed in individuals with GJB1-related conditions (PMID: 16922730; Invitae), which suggests that this may be a clinically significant amino acid residue. Algorithms developed to predict the effect of missense changes on protein structure and function are either unavailable or do not agree on the potential impact of this missense change (SIFT: "Deleterious"; PolyPhen-2: "Probably Damaging"; Align-GVGD: "Class C0"). This missense change has been observed in individual(s) with clinical features of GJB1-related disease (Invitae). This variant is not present in population databases (gnomAD no frequency). This sequence change replaces aspartic acid, which is acidic and polar, with valine, which is neutral and non-polar, at codon 46 of the GJB1 protein (p.Asp46Val).

Literature cited by the submitters: PubMed 16922730.

NM_000166.6(GJB1):c.137A>T (p.Asp46Val)

Gene: GJB1 (gap junction protein beta 1; plus strand). Cytogenetic location: Xq13.1.
Variant type: single nucleotide variant.
Coding change: c.137A>T on transcript NM_000166.6 (MANE Select); coding-DNA position 137, A replaced by T.
Protein change: p.Asp46Val; replaces aspartic acid 46 with valine.
Molecular consequence: missense variant.
Genome position (GRCh38, 1-based): chrX:71,223,844, A>T. VCF-style: chrX-71223844-A-T. GRCh37 (hg19) VCF-style: chrX-70443694-A-T.
Other names: c.137A>T, p.Asp46Val (NM_001097642.3); short protein forms D46V.
Identifiers: ClinVar variation 1463331 (VCV001463331.8), dbSNP rs1602348820, ClinGen allele CA413501081.
Genomic context (GRCh38, chrX:71,223,844, plus strand): 5'-CGGTCATCTTCATCTTCAGAATCATGGTGCTGGTGGTGGCTGCAGAGAGTGTGTGGGGTG[A>T]TGAGAAATCTTCCTTCATCTGCAACACACTCCAGCCTGGCTGCAACAGCGTTTGCTATGA-3'
Protein context (NP_000157.1, residues 36-56): LVVAAESVWG[Asp46Val]EKSSFICNTL